The following is an entry in ClinVar:

NM_182914.3(SYNE2):c.5242G>A (p.Ala1748Thr)

Gene: SYNE2 (spectrin repeat containing nuclear envelope protein 2; plus strand). Cytogenetic location: 14q23.2.
Variant type: single nucleotide variant.
Coding change: c.5242G>A on transcript NM_182914.3 (MANE Select); coding-DNA position 5242, G replaced by A.
Protein change: p.Ala1748Thr; replaces alanine 1748 with threonine.
Molecular consequence: missense variant.
Genome position (GRCh38, 1-based): chr14:64,021,405, G>A. VCF-style: chr14-64021405-G-A. GRCh37 (hg19) VCF-style: chr14-64488123-G-A.
Other names: c.5242G>A, p.Ala1748Thr (NM_015180.6); c.5242G>A (NM_182914.2); short protein forms A1748T.
Identifiers: ClinVar variation 1493226 (VCV001493226.8), dbSNP rs768694081, ClinGen allele CA7220426.

ClinVar aggregate classification (germline): Uncertain significance. Review status: criteria provided, multiple submitters, no conflicts (2 of 4 stars). 2 submissions from 2 submitters: Uncertain significance (2). Last evaluated 2025-10-15.

Conditions:
Emery-Dreifuss muscular dystrophy 5, autosomal dominant (EDMD5). Also called: EMERY-DREIFUSS MUSCULAR DYSTROPHY 5. Identifiers: Orphanet 261, MedGen C2751805, MONDO:0013072, OMIM 612999.

Allele frequency attached by ClinVar (database versions not stated): gnomAD exomes 0.00001 and 0.00002; ExAC 0.00002; gnomAD 0.00016 and 0.00017; TOPMed 0.00019.
gnomAD v4.1: 37 of 1,614,060 alleles (0.0023%); highest among the groups gnomAD compares: African/African-American, 0.048%; no homozygotes.

Submissions (2):

Ambry Genetics
Classification: Uncertain significance. Last evaluated: 2025-10-15. Review status: criteria provided, single submitter. Criteria: Ambry Variant Classification Scheme 2023. Collection method: clinical testing. Allele origin: germline.

Labcorp Genetics (formerly Invitae), Labcorp
Classification: Uncertain significance for Emery-Dreifuss muscular dystrophy 5, autosomal dominant. Last evaluated: 2025-08-16. Review status: criteria provided, single submitter. Criteria: Invitae Variant Classification Sherloc (09022015). Collection method: clinical testing. Allele origin: germline.
Comment: This sequence change replaces alanine, which is neutral and non-polar, with threonine, which is neutral and polar, at codon 1748 of the SYNE2 protein (p.Ala1748Thr). This variant is present in population databases (rs768694081, gnomAD 0.05%), and has an allele count higher than expected for a pathogenic variant. This variant has not been reported in the literature in individuals affected with SYNE2-related conditions. ClinVar contains an entry for this variant (Variation ID: 1493226). An algorithm developed to predict the effect of missense changes on protein structure and function (PolyPhen-2) suggests that this variant is likely to be disruptive. In summary, the available evidence is currently insufficient to determine the role of this variant in disease. Therefore, it has been classified as a Variant of Uncertain Significance.